The following is an entry in ClinVar:

ClinVar aggregate classification (germline): Uncertain significance. Review status: criteria provided, multiple submitters, no conflicts (2 of 4 stars). 2 submissions from 2 submitters: Uncertain significance (2). Last evaluated 2025-12-21.

Conditions:
Cardiovascular phenotype. Identifiers: MedGen CN230736.
Hypertrophic cardiomyopathy 26. Also called: Cardiomyopathy, familial hypertrophic, 26. Identifiers: Orphanet 75249, MedGen C4310749, MONDO:0014883, OMIM 617047.
Distal myopathy with posterior leg and anterior hand involvement. Also called: WILLIAMS DISTAL MYOPATHY. Identifiers: Orphanet 63273, MedGen C3279722, MONDO:0013550, OMIM 614065.
Myofibrillar myopathy 5. Also called: Filaminopathy (type); FILAMINOPATHY, AUTOSOMAL DOMINANT. Identifiers: Orphanet 171445, MedGen C1836050, MONDO:0012289, OMIM 609524.

Allele frequency attached by ClinVar (database versions not stated): gnomAD exomes below 0.00001.

Submissions (2):

Labcorp Genetics (formerly Invitae), Labcorp
Classification: Uncertain significance for Distal myopathy with posterior leg and anterior hand involvement; Myofibrillar myopathy 5; Hypertrophic cardiomyopathy 26. Last evaluated: 2025-12-21. Review status: criteria provided, single submitter. Criteria: Invitae Variant Classification Sherloc (09022015). Collection method: clinical testing. Allele origin: germline.
Comment: This sequence change replaces aspartic acid, which is acidic and polar, with glutamic acid, which is acidic and polar, at codon 2116 of the FLNC protein (p.Asp2116Glu). This variant is not present in population databases (gnomAD no frequency). This variant has not been reported in the literature in individuals affected with FLNC-related conditions. ClinVar contains an entry for this variant (Variation ID: 1752981). Invitae Evidence Modeling of protein sequence and biophysical properties (such as structural, functional, and spatial information, amino acid conservation, physicochemical variation, residue mobility, and thermodynamic stability) has been performed for this missense variant. However, the output from this modeling did not meet the statistical confidence thresholds required to predict the impact of this variant on FLNC protein function. In summary, the available evidence is currently insufficient to determine the role of this variant in disease. Therefore, it has been classified as a Variant of Uncertain Significance.

Ambry Genetics
Classification: Uncertain significance for Cardiovascular phenotype. Last evaluated: 2024-10-21. Review status: criteria provided, single submitter. Criteria: Ambry Variant Classification Scheme 2023. Collection method: clinical testing. Allele origin: germline.

NM_001458.5(FLNC):c.6348C>G (p.Asp2116Glu)

Genes: FLNC-AS1 (FLNC antisense RNA 1; minus strand), FLNC (filamin C; plus strand). Cytogenetic location: 7q32.1.
Variant type: single nucleotide variant.
Coding change: c.6348C>G on transcript NM_001458.5 (MANE Select); coding-DNA position 6348, C replaced by G.
Protein change: p.Asp2116Glu; replaces aspartic acid 2116 with glutamic acid.
Molecular consequence: missense variant.
Genome position (GRCh38, 1-based): chr7:128,853,608, C>G. VCF-style: chr7-128853608-C-G. GRCh37 (hg19) VCF-style: chr7-128493662-C-G.
Other names: c.6249C>G, p.Asp2083Glu (NM_001127487.2); short protein forms D2116E, D2083E.
Identifiers: ClinVar variation 1752981 (VCV001752981.6), dbSNP rs2536662397, ClinGen allele CA369212322.